The following is an entry in ClinVar:

NM_032043.3(BRIP1):c.1162C>T (p.Gln388Ter)

Gene: BRIP1 (BRCA1 interacting DNA helicase 1; minus strand). Cytogenetic location: 17q23.2.
Variant type: single nucleotide variant.
Coding change: c.1162C>T on transcript NM_032043.3 (MANE Select); coding-DNA position 1162, C replaced by T.
Protein change: p.Gln388Ter; replaces glutamine 388 with a stop codon.
Molecular consequence: nonsense.
Genome position (GRCh38, 1-based): chr17:61,799,278, G>A on the plus strand (C>T on the coding strand, the complement: BRIP1 is on the minus strand). VCF-style: chr17-61799278-G-A. GRCh37 (hg19) VCF-style: chr17-59876639-G-A.
Other names: short protein forms Q388*.
Identifiers: ClinVar variation 569895 (VCV000569895.9), dbSNP rs1304655615, ClinGen allele CA400483786.

ClinVar aggregate classification (germline): Pathogenic. Review status: criteria provided, multiple submitters, no conflicts (2 of 4 stars). 2 submissions from 2 submitters: Pathogenic (2). Last evaluated 2025-08-31.

Conditions:
Familial cancer of breast. Also called: BREAST CANCER, FAMILIAL; hereditary breast carcinoma; Hereditary breast cancer. Identifiers: Orphanet 227535, MedGen C0346153, MONDO:0016419, OMIM 114480. Disease mechanism: loss of function.
Fanconi anemia complementation group J. Also called: BRIP1-Related Fanconi Anemia. Identifiers: Orphanet 84, MedGen C1836860, MONDO:0012187, OMIM 609054.

Allele frequency attached by ClinVar (database versions not stated): gnomAD exomes below 0.00001.
gnomAD v4.1: 1 of 1,612,692 alleles (0.000062%); highest among the groups gnomAD compares: South Asian, 0.0011%; no homozygotes.

Submissions (2):

Labcorp Genetics (formerly Invitae), Labcorp
Classification: Pathogenic for Familial cancer of breast; Fanconi anemia complementation group J. Last evaluated: 2025-08-31. Review status: criteria provided, single submitter. Criteria: Invitae Variant Classification Sherloc (09022015). Collection method: clinical testing. Allele origin: germline.
Comment: This sequence change creates a premature translational stop signal (p.Gln388*) in the BRIP1 gene. It is expected to result in an absent or disrupted protein product. Loss-of-function variants in BRIP1 are known to be pathogenic (PMID: 16116423, 17033622, 21964575). This variant is present in population databases (no rsID available, gnomAD 0.003%). This variant has not been reported in the literature in individuals affected with BRIP1-related conditions. ClinVar contains an entry for this variant (Variation ID: 569895). Algorithms developed to predict the effect of sequence changes on RNA splicing suggest that this variant may create or strengthen a splice site. For these reasons, this variant has been classified as Pathogenic.

Myriad Genetics, Inc.
Classification: Pathogenic for Familial cancer of breast. Last evaluated: 2023-06-01. Review status: criteria provided, single submitter. Criteria: Myriad Autosomal Dominant, Autosomal Recessive and X-Linked Classification Criteria (2023). Collection method: clinical testing. Allele origin: unknown.
Comment: This variant is considered pathogenic. This variant creates a termination codon and is predicted to result in premature protein truncation.

Literature cited by the submitters: PubMed 16116423 (cited by Labcorp Genetics (formerly Invitae), Labcorp); PubMed 17033622 (cited by Labcorp Genetics (formerly Invitae), Labcorp); PubMed 21964575 (cited by Labcorp Genetics (formerly Invitae), Labcorp).